The following is an entry in ClinVar:

NM_030943.4(AMN):c.78del (p.Asn27fs)

Gene: AMN (amnion associated transmembrane protein; plus strand). Cytogenetic location: 14q32.32.
Variant type: Deletion.
Coding change: c.78del on transcript NM_030943.4 (MANE Select); coding-DNA position 78, one base deleted (C; older notation c.78delC).
Protein change: p.Asn27fs; shifts the reading frame from asparagine 27.
Molecular consequence: frameshift variant.
Genome position (GRCh38, 1-based): chr14:102,923,745, C deleted; the last of 4 consecutive C bases (chr14:102,923,742-102,923,745); deleting any one gives the same sequence. VCF-style (leftmost placement, unchanged base first): chr14-102923741-TC-T. GRCh37 (hg19) VCF-style: chr14-103390078-TC-T.
Other names: c.-85delC (NM_001425246.1); short protein forms N27fs.
Identifiers: ClinVar variation 2896512 (VCV002896512.3), dbSNP rs2542685031, ClinGen allele CA2739278296.

ClinVar aggregate classification (germline): Pathogenic (1 of 4 stars; one submission).

Conditions:
Imerslund-Grasbeck syndrome. Also called: ENTEROCYTE COBALAMIN MALABSORPTION; ENTEROCYTE INTRINSIC FACTOR RECEPTOR, DEFECT OF; PERNICIOUS ANEMIA, JUVENILE, DUE TO SELECTIVE INTESTINAL MALABSORPTION OF VITAMIN B12, WITH PROTEINURIA; Imerslund-Gräsbeck syndrome; Megaloblastic anemia due to inborn errors of metabolism. Identifiers: Orphanet 35858, MedGen C4551825, MONDO:0009853.

Submission:

Labcorp Genetics (formerly Invitae), Labcorp
Classification: Pathogenic for Imerslund-Grasbeck syndrome. Last evaluated: 2023-06-04. Review status: criteria provided, single submitter. Criteria: Invitae Variant Classification Sherloc (09022015). Collection method: clinical testing. Allele origin: germline.
Comment: For these reasons, this variant has been classified as Pathogenic. This variant has not been reported in the literature in individuals affected with AMN-related conditions. This variant is not present in population databases (gnomAD no frequency). This sequence change creates a premature translational stop signal (p.Asn27Thrfs*172) in the AMN gene. It is expected to result in an absent or disrupted protein product. Loss-of-function variants in AMN are known to be pathogenic (PMID: 12590260, 22929189).

Literature cited by the submitters: PubMed 12590260; PubMed 22929189.